The following is an entry in ClinVar:

ClinVar aggregate classification (germline): Conflicting classifications of pathogenicity. Review status: criteria provided, conflicting classifications (1 of 4 stars). 2 submissions from 2 submitters: Likely pathogenic (1); Uncertain significance (1). Last evaluated 2025-12-20.

Conditions:
Hereditary cancer-predisposing syndrome. Also called: Neoplastic Syndromes, Hereditary; Tumor predisposition; Hereditary Cancer Syndrome; Hereditary neoplastic syndrome. Identifiers: Orphanet 140162, MedGen C0027672, MeSH D009386, MONDO:0015356.

Allele frequency attached by ClinVar (database versions not stated): TOPMed below 0.00001.

Submissions (2):

Labcorp Genetics (formerly Invitae), Labcorp
Classification: Likely pathogenic. Last evaluated: 2025-12-20. Review status: criteria provided, single submitter. Criteria: Invitae Variant Classification Sherloc (09022015). Collection method: clinical testing. Allele origin: germline.
Comment: This sequence change affects a donor splice site in intron 23 of the POLE gene. It is expected to disrupt RNA splicing. Variants that disrupt the donor or acceptor splice site typically lead to a loss of protein function (PMID: 16199547), and loss-of-function variants in POLE are known to be pathogenic (PMID: 23230001, 25948378, 30503519). This variant is not present in population databases (gnomAD no frequency). This variant has not been reported in the literature in individuals affected with POLE-related conditions. ClinVar contains an entry for this variant (Variation ID: 473550). Studies have shown that disruption of this splice site is associated with inconclusive levels of altered splicing (internal data). In summary, the currently available evidence indicates that the variant is pathogenic, but additional data are needed to prove that conclusively. Therefore, this variant has been classified as Likely Pathogenic.

Ambry Genetics
Classification: Uncertain significance for Hereditary cancer-predisposing syndrome. Last evaluated: 2025-09-05. Review status: criteria provided, single submitter. Criteria: Ambry Variant Classification Scheme 2023. Collection method: clinical testing. Allele origin: germline.
Comment: The c.2706+2T>C intronic variant results from a T to C substitution two nucleotides after coding exon 23 in the POLE gene. This nucleotide position is highly conserved in available vertebrate species. In silico splice site analysis predicts that this alteration may weaken the native splice donor site. Alterations that disrupt the canonical splice site are expected to cause aberrant splicing, resulting in an abnormal protein or a transcript that is subject to nonsense-mediated mRNA decay; however, +2T>C alterations are capable of generating wild-type transcripts in some genomic contexts and should be interpreted with caution (Lin JH et al. Hum Mutat. 2019 10;40:1856-1873). Based on the available evidence, the clinical significance of this alteration remains unclear.

Literature cited by the submitters: PubMed 16199547 (cited by Labcorp Genetics (formerly Invitae), Labcorp); PubMed 23230001 (cited by Labcorp Genetics (formerly Invitae), Labcorp); PubMed 25948378 (cited by Labcorp Genetics (formerly Invitae), Labcorp); PubMed 30503519 (cited by Labcorp Genetics (formerly Invitae), Labcorp).

NM_006231.4(POLE):c.2706+2T>C

Gene: POLE (DNA polymerase epsilon, catalytic subunit; minus strand). Cytogenetic location: 12q24.33.
Variant type: single nucleotide variant.
Coding change: c.2706+2T>C on transcript NM_006231.4 (MANE Select); the canonical splice donor site of the intron after coding-DNA position 2706, T replaced by C.
Molecular consequence: splice donor variant.
Genome position (GRCh38, 1-based): chr12:132,664,002, A>G on the plus strand (T>C on the coding strand, the complement: POLE is on the minus strand). VCF-style: chr12-132664002-A-G. GRCh37 (hg19) VCF-style: chr12-133240588-A-G.
Other names: c.2706+2T>C (NM_006231.2).
Identifiers: ClinVar variation 473550 (VCV000473550.12), dbSNP rs1555226411, ClinGen allele CA387394843.
Genomic context (GRCh38, chr12:132,664,002, plus strand): 5'-GTGACATCAGGGCACTGACGCCAGGCCAGCCAGAGCTTCAGGACCAGAGGCCCCAGACTC[A>G]CCTTGACCATGATGTTCAACATGGCGCCTGGGTAGGAGATGGTCACTTTGGGCTTCTTCA-3'